The following is an entry in ClinVar:

ClinVar aggregate classification (germline): Likely pathogenic (1 of 4 stars; one submission).

Conditions:
Mucopolysaccharidosis, MPS-IV-B (MPS4B). Also called: Mucopolysaccharidosis type 4B; Mucopolysaccharidosis type IVB (Morquio); MPS IVB; MORQUIO SYNDROME B; Mucopolysaccharidosis type IV B; Mucopolysaccharidosis Type IVB. Identifiers: Orphanet 309310, Orphanet 582, MedGen C0086652, MONDO:0009660, OMIM 253010.
GM1 gangliosidosis. Identifiers: Orphanet 354, MedGen C0085131, MONDO:0018149.

Submission:

Labcorp Genetics (formerly Invitae), Labcorp
Classification: Likely pathogenic for Mucopolysaccharidosis, MPS-IV-B; GM1 gangliosidosis. Last evaluated: 2023-12-08. Review status: criteria provided, single submitter. Criteria: Invitae Variant Classification Sherloc (09022015). Collection method: clinical testing. Allele origin: germline.
Comment: This sequence change replaces glutamine, which is neutral and polar, with histidine, which is basic and polar, at codon 255 of the GLB1 protein (p.Gln255His). This variant is not present in population databases (gnomAD no frequency). This missense change has been observed in individual(s) with GM1 gangliosidosis (PMID: 16617000, 19472408, 25600812). Advanced modeling of protein sequence and biophysical properties (such as structural, functional, and spatial information, amino acid conservation, physicochemical variation, residue mobility, and thermodynamic stability) performed at Invitae indicates that this missense variant is expected to disrupt GLB1 protein function with a positive predictive value of 95%. Experimental studies have shown that this missense change affects GLB1 function (PMID: 19472408). In summary, the currently available evidence indicates that the variant is pathogenic, but additional data are needed to prove that conclusively. Therefore, this variant has been classified as Likely Pathogenic.

Literature cited by the submitters: PubMed 16617000; PubMed 19472408; PubMed 25600812.

NM_000404.4(GLB1):c.765G>T (p.Gln255His)

Gene: GLB1 (galactosidase beta 1; minus strand). Cytogenetic location: 3p22.3.
Variant type: single nucleotide variant.
Coding change: c.765G>T on transcript NM_000404.4 (MANE Select); coding-DNA position 765, G replaced by T.
Protein change: p.Gln255His; replaces glutamine 255 with histidine.
Molecular consequence: missense variant.
Genome position (GRCh38, 1-based): chr3:33,053,518, C>A on the plus strand (G>T on the coding strand, the complement: GLB1 is on the minus strand). VCF-style: chr3-33053518-C-A. GRCh37 (hg19) VCF-style: chr3-33095010-C-A.
Other names: c.675G>T, p.Gln225His (NM_001079811.3); c.372G>T, p.Gln124His (NM_001135602.3); c.909G>T, p.Gln303His (NM_001317040.2); c.765G>T, p.Gln255His (NM_001393580.1); short protein forms Q225H, Q255H, Q124H, Q303H.
Identifiers: ClinVar variation 2946183 (VCV002946183.3), dbSNP rs1553610553, ClinGen allele CA352002730.